The following is an entry in ClinVar:

NM_201384.3(PLEC):c.10966C>G (p.Arg3656Gly)

Gene: PLEC (plectin; minus strand). Cytogenetic location: 8q24.3.
Variant type: single nucleotide variant.
Coding change: c.10966C>G on transcript NM_201384.3 (MANE Select); coding-DNA position 10966, C replaced by G.
Protein change: p.Arg3656Gly; replaces arginine 3656 with glycine.
Molecular consequence: missense variant.
Genome position (GRCh38, 1-based): chr8:143,918,855, G>C on the plus strand (C>G on the coding strand, the complement: PLEC is on the minus strand). VCF-style: chr8-143918855-G-C. GRCh37 (hg19) VCF-style: chr8-144993023-G-C.
Other names: c.11047C>G, p.Arg3683Gly (NM_000445.5); c.10924C>G, p.Arg3642Gly (NM_201378.4); c.10900C>G, p.Arg3634Gly (NM_201379.3); c.11377C>G, p.Arg3793Gly (NM_201380.4); c.10870C>G, p.Arg3624Gly (NM_201381.3); c.10966C>G, p.Arg3656Gly (NM_201382.4); c.10978C>G, p.Arg3660Gly (NM_201383.3); short protein forms R3624G, R3642G, R3660G, R3793G, R3656G, R3683G, R3634G.
Identifiers: ClinVar variation 958669 (VCV000958669.10), dbSNP rs782033096, ClinGen allele CA372495289.

ClinVar aggregate classification (germline): Uncertain significance (1 of 4 stars; one submission).

Conditions:
Epidermolysis bullosa simplex 5B, with muscular dystrophy (EBS5B). Also called: Epidermolysis bullosa simplex with muscular dystrophy; EPIDERMOLYSIS BULLOSA SIMPLEX AND LIMB-GIRDLE MUSCULAR DYSTROPHY. Identifiers: Orphanet 257, MedGen C2931072, MONDO:0009181, OMIM 226670.
Epidermolysis bullosa simplex, Ogna type (EBS5A). Also called: Pidermolysis bullosa simplex 5A, Ogna type; EPIDERMOLYSIS BULLOSA SIMPLEX 5A, OGNA TYPE. Identifiers: Orphanet 79401, MedGen C0432317, MONDO:0007555, OMIM 131950.
Autosomal recessive limb-girdle muscular dystrophy type 2Q (LGMDR17). Also called: MUSCULAR DYSTROPHY, LIMB-GIRDLE, AUTOSOMAL RECESSIVE 17. Identifiers: Orphanet 254361, MedGen C3150989, MONDO:0013390, OMIM 613723.
Epidermolysis bullosa simplex with nail dystrophy (EBS5D). Identifiers: MedGen C4225309, MONDO:0014661, OMIM 616487.
Epidermolysis bullosa simplex 5C, with pyloric atresia (EBS5C). Also called: Epidermolysis bullosa simplex with pyloric atresia; PLEC-Related Epidermolysis Bullosa with Pyloric Atresia; PLEC1-Related Epidermolysis Bullosa with Pyloric Atresia. Identifiers: Orphanet 158684, MedGen C2677349, MONDO:0012807, OMIM 612138.

Submission:

Labcorp Genetics (formerly Invitae), Labcorp
Classification: Uncertain significance for Autosomal recessive limb-girdle muscular dystrophy type 2Q; Epidermolysis bullosa simplex, Ogna type; Epidermolysis bullosa simplex with nail dystrophy; Epidermolysis bullosa simplex 5C, with pyloric atresia; Epidermolysis bullosa simplex 5B, with muscular dystrophy. Last evaluated: 2022-07-18. Review status: criteria provided, single submitter. Criteria: Invitae Variant Classification Sherloc (09022015). Collection method: clinical testing. Allele origin: germline.
Comment: In summary, the available evidence is currently insufficient to determine the role of this variant in disease. Therefore, it has been classified as a Variant of Uncertain Significance. Algorithms developed to predict the effect of missense changes on protein structure and function (SIFT, PolyPhen-2, Align-GVGD) all suggest that this variant is likely to be disruptive. ClinVar contains an entry for this variant (Variation ID: 958669). This variant has not been reported in the literature in individuals affected with PLEC-related conditions. This variant is not present in population databases (gnomAD no frequency). This sequence change replaces arginine, which is basic and polar, with glycine, which is neutral and non-polar, at codon 3683 of the PLEC protein (p.Arg3683Gly).